The following is an entry in ClinVar:

NM_001044385.3(TMEM237):c.42+6C>T

Gene: TMEM237 (transmembrane protein 237; minus strand). Cytogenetic location: 2q33.1.
Variant type: single nucleotide variant.
Coding change: c.42+6C>T on transcript NM_001044385.3 (MANE Select); 6 bases into the intron after coding-DNA position 42, C replaced by T.
Molecular consequence: intron variant.
Genome position (GRCh38, 1-based): chr2:201,643,353, G>A on the plus strand (C>T on the coding strand, the complement: TMEM237 is on the minus strand). VCF-style: chr2-201643353-G-A. GRCh37 (hg19) VCF-style: chr2-202508076-G-A.
Identifiers: ClinVar variation 2022482 (VCV002022482.5), dbSNP rs1687472990, ClinGen allele CA1321143413.
Genomic context (GRCh38, chr2:201,643,353, plus strand): 5'-CCCCCACTGCCAAGTGTAGCTGTTTACCCGCCACCTCTCGAGGCCGACGCGCCCCTCGCC[G>A]CTCACCAGGTGGCCCTCCTCCAGCCGAGCCCCCGAGTCAGTCCTCATGGTGCTCTCCCCG-3'

ClinVar aggregate classification (germline): Uncertain significance. Review status: criteria provided, multiple submitters, no conflicts (2 of 4 stars). 2 submissions from 2 submitters: Uncertain significance (2). Last evaluated 2025-03-17.

Conditions:
Joubert syndrome 14 (JBTS14). Identifiers: MedGen C3280766, MONDO:0013745, OMIM 614424.

Submissions (2):

Labcorp Genetics (formerly Invitae), Labcorp
Classification: Uncertain significance for Joubert syndrome 14. Last evaluated: 2025-03-17. Review status: criteria provided, single submitter. Criteria: Invitae Variant Classification Sherloc (09022015). Collection method: clinical testing. Allele origin: germline.
Comment: This sequence change falls in intron 1 of the TMEM237 gene. It does not directly change the encoded amino acid sequence of the TMEM237 protein. It affects a nucleotide within the consensus splice site. This variant is not present in population databases (gnomAD no frequency). This variant has not been reported in the literature in individuals affected with TMEM237-related conditions. ClinVar contains an entry for this variant (Variation ID: 2022482). Variants that disrupt the consensus splice site are a relatively common cause of aberrant splicing (PMID: 17576681, 9536098). Algorithms developed to predict the effect of sequence changes on RNA splicing suggest that this variant is not likely to affect RNA splicing. In summary, the available evidence is currently insufficient to determine the role of this variant in disease. Therefore, it has been classified as a Variant of Uncertain Significance.

Fulgent Genetics
Classification: Uncertain significance for Joubert syndrome 14. Last evaluated: 2023-12-27. Review status: criteria provided, single submitter. Criteria: ACMG Guidelines, 2015. Collection method: clinical testing. Allele origin: germline.

Literature cited by the submitters: PubMed 17576681 (cited by Labcorp Genetics (formerly Invitae), Labcorp); PubMed 9536098 (cited by Labcorp Genetics (formerly Invitae), Labcorp).